The following is an entry in ClinVar:

NM_052867.4(NALCN):c.1099A>G (p.Asn367Asp)

Gene: NALCN (sodium leak channel, non-selective; minus strand). Cytogenetic location: 13q33.1.
Variant type: single nucleotide variant.
Coding change: c.1099A>G on transcript NM_052867.4 (MANE Select); coding-DNA position 1099, A replaced by G.
Protein change: p.Asn367Asp; replaces asparagine 367 with aspartic acid.
Molecular consequence: missense variant. On other transcripts: intron variant (2).
Genome position (GRCh38, 1-based): chr13:101,283,968, T>C on the plus strand (A>G on the coding strand, the complement: NALCN is on the minus strand). VCF-style: chr13-101283968-T-C. GRCh37 (hg19) VCF-style: chr13-101936319-T-C.
Other names: c.1099A>G, p.Asn367Asp (NM_001350748.2, NM_001350749.2); c.1047+8022A>G (NM_001350751.2, NM_001350750.2); short protein forms N367D.
Identifiers: ClinVar variation 3666833 (VCV003666833.2).

ClinVar aggregate classification (germline): Uncertain significance (1 of 4 stars; one submission).

Submission:

Labcorp Genetics (formerly Invitae), Labcorp
Classification: Uncertain significance. Last evaluated: 2024-12-07. Review status: criteria provided, single submitter. Criteria: Invitae Variant Classification Sherloc (09022015). Collection method: clinical testing. Allele origin: germline.
Comment: This sequence change replaces asparagine, which is neutral and polar, with aspartic acid, which is acidic and polar, at codon 367 of the NALCN protein (p.Asn367Asp). This variant is not present in population databases (gnomAD no frequency). This variant has not been reported in the literature in individuals affected with NALCN-related conditions. Invitae Evidence Modeling of protein sequence and biophysical properties (such as structural, functional, and spatial information, amino acid conservation, physicochemical variation, residue mobility, and thermodynamic stability) indicates that this missense variant is not expected to disrupt NALCN protein function with a negative predictive value of 80%. In summary, the available evidence is currently insufficient to determine the role of this variant in disease. Therefore, it has been classified as a Variant of Uncertain Significance.